The following is an entry in ClinVar:

ClinVar aggregate classification (germline): Uncertain significance (1 of 4 stars; one submission).

gnomAD v4.1: 2 of 152,176 alleles (0.0013%); highest among the groups gnomAD compares: Non-Finnish European, 0.0029%; no homozygotes.

Submission:

Greenwood Genetic Center Diagnostic Laboratories, Greenwood Genetic Center
Classification: Uncertain significance. Last evaluated: 2024-05-28. Review status: criteria provided, single submitter. Criteria: ACMG Guidelines, 2015. Collection method: clinical testing. Allele origin: germline. Affected: yes.
Comment: PM2, BP4

NM_016653.3(MAP3K20):c.159+28133C>G

Gene: MAP3K20 (mitogen-activated protein kinase kinase kinase 20; plus strand). Cytogenetic location: 2q31.1.
Variant type: single nucleotide variant.
Coding change: c.159+28133C>G on transcript NM_016653.3 (MANE Select); 28133 bases into the intron after coding-DNA position 159, C replaced by G.
Molecular consequence: intron variant.
Genome position (GRCh38, 1-based): chr2:173,119,323, C>G. VCF-style: chr2-173119323-C-G. GRCh37 (hg19) VCF-style: chr2-173984051-C-G.
Other names: c.159+28133C>G (NM_133646.3).
Identifiers: ClinVar variation 3338527 (VCV003338527.1).
Genomic context (GRCh38, chr2:173,119,323, plus strand): 5'-CTGGGGGTCCAGTGACGATCTCGAGTGTGTCATGGGGCAGAGCTGGTGTGCAGGAAGCCA[C>G]CTGCTGGGGTGCTGGGAGGCTAAAGCTGGCCCACAAGAGTCTTCTGGCTGGTGGCCAGTG-3'